The following is an entry in ClinVar:

NM_014806.5(RUSC2):c.4530C>T (p.Thr1510=)

Gene: RUSC2 (RUN and SH3 domain containing 2; plus strand). Cytogenetic location: 9p13.3.
Variant type: single nucleotide variant.
Coding change: c.4530C>T on transcript NM_014806.5 (MANE Select); coding-DNA position 4530, C replaced by T.
Protein change: p.Thr1510=; no amino-acid change (threonine 1510 retained).
Molecular consequence: synonymous variant. On other transcripts: non-coding transcript variant (1).
Genome position (GRCh38, 1-based): chr9:35,561,361, C>T. VCF-style: chr9-35561361-C-T. GRCh37 (hg19) VCF-style: chr9-35561358-C-T.
Other names: c.4530C>T, p.Thr1510= (NM_001135999.2); c.1896C>T, p.Thr632= (NM_001330740.2).
Identifiers: ClinVar variation 1559529 (VCV001559529.18), dbSNP rs148877875, ClinGen allele CA5044431.
Genomic context (GRCh38, chr9:35,561,361, plus strand): 5'-CCCCGACTCTGGCCTGGTGCCCCTGGCCTACGTGACATTGACCCCAACTCCAAGTCCAAC[C>T]CCTGGAAGCAGCCAAAACTGAGGCCCTGTGCATGCTGGTGGCCTCAGGGACCCTCATAAC-3'
Protein context (NP_055621.2, residues 1500-1516): YVTLTPTPSP[Thr1510=]PGSSQN

ClinVar aggregate classification (germline): Likely benign. Review status: criteria provided, multiple submitters, no conflicts (2 of 4 stars). 2 submissions from 2 submitters: Likely benign (2). Last evaluated 2025-12-19.

Allele frequency attached by ClinVar (database versions not stated): gnomAD exomes 0.00004 and 0.00009; ExAC 0.00012; ESP Exome Variant Server 0.00031; gnomAD 0.00036 and 0.00038; TOPMed 0.00050.
gnomAD v4.1: 107 of 1,612,792 alleles (0.0066%); highest among the groups gnomAD compares: African/African-American, 0.14%; no homozygotes.

Submissions (2):

Labcorp Genetics (formerly Invitae), Labcorp
Classification: Likely benign. Last evaluated: 2025-12-19. Review status: criteria provided, single submitter. Criteria: Invitae Variant Classification Sherloc (09022015). Collection method: clinical testing. Allele origin: germline.

CeGaT Center for Human Genetics Tuebingen
Classification: Likely benign. Last evaluated: 2025-05-01. Review status: criteria provided, single submitter. Criteria: CeGaT Center For Human Genetics Tuebingen Variant Classification Criteria Version 2. Collection method: clinical testing. Allele origin: germline. Affected: yes. Observed: 1 variant allele.
Comment: RUSC2: BP4, BP7